The following is an entry in ClinVar:

ClinVar aggregate classification (germline): Uncertain significance (1 of 4 stars; one submission).

gnomAD v4.1: 1 of 1,512,442 alleles (0.000066%); no homozygotes.

Submission:

GeneDx
Classification: Uncertain significance. Last evaluated: 2025-03-14. Review status: criteria provided, single submitter. Criteria: GeneDx Variant Classification Process June 2021. Collection method: clinical testing. Allele origin: germline. Affected: yes.
Comment: Not observed at significant frequency in large population cohorts (gnomAD); Alters the Kozak sequence, which plays a major role in the initiation of translation; Has not been previously published as pathogenic or benign to our knowledge

NM_001923.5(DDB1):c.-1C>G

Gene: DDB1 (damage specific DNA binding protein 1; minus strand). Cytogenetic location: 11q12.2.
Variant type: single nucleotide variant.
Coding change: c.-1C>G on transcript NM_001923.5 (MANE Select); 1 bases upstream of the start codon, C replaced by G.
Molecular consequence: 5 prime UTR variant.
Genome position (GRCh38, 1-based): chr11:61,332,969, G>C on the plus strand (C>G on the coding strand, the complement: DDB1 is on the minus strand). VCF-style: chr11-61332969-G-C. GRCh37 (hg19) VCF-style: chr11-61100441-G-C.
Identifiers: ClinVar variation 3372669 (VCV003372669.2).